The following is an entry in ClinVar:

ClinVar aggregate classification (germline): Pathogenic/Likely pathogenic. Review status: criteria provided, multiple submitters, no conflicts (2 of 4 stars). 3 submissions from 3 submitters: Pathogenic (1); Likely pathogenic (1). 1 of the submissions does not count toward it. Last evaluated 2025-10-24.

Conditions:
Mucopolysaccharidosis type 6 (MPS6). Also called: ARSB DEFICIENCY; ARYLSULFATASE B DEFICIENCY; N-ACETYLGALACTOSAMINE-4-SULFATASE DEFICIENCY; MPS VI; MPS 6; Maroteaux Lamy syndrome. Identifiers: Orphanet 583, MedGen C0026709, MONDO:0009661, OMIM 253200.
ARSB-related disorder. Also called: ARSB-related condition.

Submissions (3):

Natera, Inc.
Classification: Likely pathogenic for Mucopolysaccharidosis type VI. Last evaluated: 2025-10-24. Review status: criteria provided, single submitter. Criteria: Natera Variant Classification Schema (03/2026). Collection method: clinical testing. Allele origin: germline.
Comment: The c.121dupG variant in ARSB is a frameshift variant predicted to shift the reading frame beginning at codon 41 and leads to a stop codon 86 codons downstream. This variant is expected to result in nonsense mediated decay, truncation, or a dysfunctional protein product. This variant is rare in the general population with a frequency below the threshold expected for the associated phenotype(s). Given the available evidence, this variant is classified as Likely Pathogenic.

Labcorp Genetics (formerly Invitae), Labcorp
Classification: Pathogenic for Mucopolysaccharidosis type 6. Last evaluated: 2023-12-21. Review status: criteria provided, single submitter. Criteria: Invitae Variant Classification Sherloc (09022015). Collection method: clinical testing. Allele origin: germline.
Comment: This sequence change creates a premature translational stop signal (p.Ala41Glyfs*86) in the ARSB gene. It is expected to result in an absent or disrupted protein product. Loss-of-function variants in ARSB are known to be pathogenic (PMID: 17458871, 22133300). This variant is not present in population databases (gnomAD no frequency). This variant has not been reported in the literature in individuals affected with ARSB-related conditions. ClinVar contains an entry for this variant (Variation ID: 1074870). For these reasons, this variant has been classified as Pathogenic.

PreventionGenetics, part of Exact Sciences
Classification: Likely pathogenic for ARSB-related condition. Last evaluated: 2024-08-01. Review status: no assertion criteria provided. Collection method: clinical testing. Allele origin: germline. Not counted in ClinVar's aggregate classification.
Comment: The ARSB c.121dupG variant is predicted to result in a frameshift and premature protein termination (p.Ala41Glyfs*86). To our knowledge, this variant has not been reported in the literature. This variant is reported in 0.0014% of alleles in individuals of European (Non-Finnish) descent in gnomAD. Frameshift variants in ARSB are expected to be pathogenic. This variant is interpreted as likely pathogenic.

Literature cited by the submitters: PubMed 17458871 (cited by Labcorp Genetics (formerly Invitae), Labcorp); PubMed 22133300 (cited by Labcorp Genetics (formerly Invitae), Labcorp).

NM_000046.5(ARSB):c.121dup (p.Ala41fs)

Genes: ARSB (arylsulfatase B; minus strand), LOC129994126 (ATAC-STARR-seq lymphoblastoid silent region 16127; plus strand). Cytogenetic location: 5q14.1.
Variant type: Duplication.
Coding change: c.121dup on transcript NM_000046.5 (MANE Select); coding-DNA position 121, one base duplicated (G; older notation c.121dupG).
Protein change: p.Ala41fs; shifts the reading frame from alanine 41.
Molecular consequence: frameshift variant.
Genome position (GRCh38, 1-based): chr5:78,985,128, C duplicated on the plus strand (G on the coding strand, the reverse complement: ARSB is on the minus strand); the first of 4 consecutive C bases (chr5:78,985,128-78,985,131); duplicating any one gives the same sequence. VCF-style (leftmost placement, unchanged base first): chr5-78985127-G-GC. GRCh37 (hg19) VCF-style: chr5-78280950-G-GC.
Other names: c.121dup, p.Ala41fs (NM_198709.3); c.121dupG (NM_000046.4, NM_000046.3); short protein forms A41fs.
Identifiers: ClinVar variation 1074870 (VCV001074870.9), dbSNP rs1561197865, ClinGen allele CA560768067.